The following is an entry in ClinVar:

ClinVar aggregate classification (germline): Benign/Likely benign. Review status: criteria provided, multiple submitters, no conflicts (2 of 4 stars). 8 submissions from 6 submitters: Benign (5); Likely benign (3). Last evaluated 2026-01-26.

Conditions:
Hereditary spherocytosis type 3. Also called: SPTA1-Related Spherocytosis; Spherocytosis type 3. Identifiers: Orphanet 822, MedGen C2678338, MONDO:0010053, OMIM 270970.
Elliptocytosis 2 (EL2). Also called: ELLIPTOCYTOSIS, RHESUS-UNLINKED TYPE. Identifiers: Orphanet 288, MedGen C1851741, MONDO:0007533, OMIM 130600.
Pyropoikilocytosis, hereditary. Also called: Pyropoikilocytosis. Identifiers: MedGen C0520739, MONDO:0009948, OMIM 266140, HP:0004839. Disease mechanism: loss of function.

Allele frequency attached by ClinVar (database versions not stated): gnomAD 0.02931 and 0.03142; ExAC 0.00940; TOPMed 0.03239; 1000 Genomes Project 0.03454; 1000 Genomes Project 30x 0.03545; ESP Exome Variant Server 0.02952.
gnomAD v4.1: 9,248 of 1,613,802 alleles (0.57%); highest among the groups gnomAD compares: African/African-American, 10%; 402 homozygotes.

Submissions (8):

Labcorp Genetics (formerly Invitae), Labcorp
Classification: Benign. Last evaluated: 2026-01-26. Review status: criteria provided, single submitter. Criteria: Invitae Variant Classification Sherloc (09022015). Collection method: clinical testing. Allele origin: germline.

ARUP Laboratories, Molecular Genetics and Genomics, ARUP Laboratories
Classification: Benign. Last evaluated: 2025-07-14. Review status: criteria provided, single submitter. Criteria: ARUP Molecular Germline Variant Investigation Process 2024. Collection method: clinical testing. Allele origin: germline.

Illumina Laboratory Services, Illumina
Classification: Likely benign for Pyropoikilocytosis, hereditary. Last evaluated: 2018-01-12. Review status: criteria provided, single submitter. Criteria: ICSL Variant Classification Criteria 13 December 2019. Collection method: clinical testing. Allele origin: germline.
Comment: This variant was observed in the ICSL laboratory as part of a predisposition screen in an ostensibly healthy population. It had not been previously curated by ICSL or reported in the Human Gene Mutation Database (HGMD: prior to June 1st, 2018), and was therefore a candidate for classification through an automated scoring system. Utilizing variant allele frequency, disease prevalence and penetrance estimates, and inheritance mode, an automated score was calculated to assess if this variant is too frequent to cause the disease. Based on the score and internal cut-off values, a variant classified as likely benign is not then subjected to further curation. The score for this variant resulted in a classification of likely benign for this disease.

Illumina Laboratory Services, Illumina
Classification: Likely benign for Hereditary spherocytosis type 3. Last evaluated: 2018-01-12. Review status: criteria provided, single submitter. Criteria: ICSL Variant Classification Criteria 13 December 2019. Collection method: clinical testing. Allele origin: germline.
Comment: the same text as in the submission from Illumina Laboratory Services, Illumina above.

Illumina Laboratory Services, Illumina
Classification: Benign for Elliptocytosis 2. Last evaluated: 2018-01-12. Review status: criteria provided, single submitter. Criteria: ICSL Variant Classification Criteria 13 December 2019. Collection method: clinical testing. Allele origin: germline.
Comment: This variant was observed in the ICSL laboratory as part of a predisposition screen in an ostensibly healthy population. It had not been previously curated by ICSL or reported in the Human Gene Mutation Database (HGMD: prior to June 1st, 2018), and was therefore a candidate for classification through an automated scoring system. Utilizing variant allele frequency, disease prevalence and penetrance estimates, and inheritance mode, an automated score was calculated to assess if this variant is too frequent to cause the disease. Based on the score and internal cut-off values, a variant classified as benign is not then subjected to further curation. The score for this variant resulted in a classification of benign for this disease.

Mayo Clinic Laboratories, Mayo Clinic
Classification: Benign. Last evaluated: 2016-05-18. Review status: criteria provided, single submitter. Criteria: ACMG Guidelines, 2015. Collection method: clinical testing. Allele origin: germline. Observed: 116 variant alleles.

Breakthrough Genomics
Classification: Likely benign. Review status: criteria provided, single submitter. Criteria: ACMG Guidelines, 2015. Collection method: not provided. Allele origin: germline. Inheritance: Autosomal recessive inheritance. Affected: yes.

PreventionGenetics, part of Exact Sciences
Classification: Benign. Review status: criteria provided, single submitter. Criteria: ACMG Guidelines, 2015. Collection method: clinical testing. Allele origin: germline.

NM_003126.4(SPTA1):c.2870C>T (p.Ala957Val)

Gene: SPTA1 (spectrin alpha, erythrocytic 1; minus strand). Cytogenetic location: 1q23.1.
Variant type: single nucleotide variant.
Coding change: c.2870C>T on transcript NM_003126.4 (MANE Select); coding-DNA position 2870, C replaced by T.
Protein change: p.Ala957Val; replaces alanine 957 with valine.
Molecular consequence: missense variant.
Genome position (GRCh38, 1-based): chr1:158,656,592, G>A on the plus strand (C>T on the coding strand, the complement: SPTA1 is on the minus strand). VCF-style: chr1-158656592-G-A. GRCh37 (hg19) VCF-style: chr1-158626382-G-A.
Other names: short protein forms A957V.
Identifiers: ClinVar variation 258925 (VCV000258925.30), dbSNP rs34706737, ClinGen allele CA1183253.
Genomic context (GRCh38, chr1:158,656,592, plus strand): 5'-TGTGAATCCTGTCATCGCTAAGTTAGTCTTACCTGGCAGGCGTTTGCCTGATTCCGCAGA[G>A]CTTTCATACTGTCTCCAAATGAATTGAGATCTAATAGAAAGGCCTCATGCTTCTTTAGAA-3'
Protein context (NP_003117.2, residues 947-967): DLNSFGDSMK[Ala957Val]LRNQANACQQ